The following is an entry in ClinVar:

ClinVar aggregate classification (germline): Uncertain significance (1 of 4 stars; one submission).

Conditions:
Myasthenic syndrome, congenital, 22 (CMS22). Also called: PREPL DEFICIENCY. Identifiers: MedGen C4479088, MONDO:0044299, OMIM 616224.

Allele frequency attached by ClinVar (database versions not stated): ExAC 0.00002; gnomAD exomes 0.00002 and 0.00003; TOPMed 0.00002; gnomAD 0.00003 and 0.00004; ESP Exome Variant Server 0.00008.
gnomAD v4.1: 49 of 1,611,140 alleles (0.003%); highest among the groups gnomAD compares: Non-Finnish European, 0.0039%; no homozygotes.

Submission:

Labcorp Genetics (formerly Invitae), Labcorp
Classification: Uncertain significance for Myasthenic syndrome, congenital, 22. Last evaluated: 2021-08-27. Review status: criteria provided, single submitter. Criteria: Invitae Variant Classification Sherloc (09022015). Collection method: clinical testing. Allele origin: germline.
Comment: This sequence change replaces lysine with glutamic acid at codon 451 of the PREPL protein (p.Lys451Glu). The lysine residue is highly conserved and there is a small physicochemical difference between lysine and glutamic acid. This variant is present in population databases (rs146886697, ExAC 0.01%). This variant has not been reported in the literature in individuals affected with PREPL-related conditions. Algorithms developed to predict the effect of missense changes on protein structure and function output the following: SIFT: "Deleterious"; PolyPhen-2: "Benign"; Align-GVGD: "Class C0". The glutamic acid amino acid residue is found in multiple mammalian species, which suggests that this missense change does not adversely affect protein function. In summary, the available evidence is currently insufficient to determine the role of this variant in disease. Therefore, it has been classified as a Variant of Uncertain Significance.

NM_001171613.2(PREPL):c.1084A>G (p.Lys362Glu)

Gene: PREPL (prolyl endopeptidase like; minus strand). Cytogenetic location: 2p21.
Variant type: single nucleotide variant.
Coding change: c.1084A>G on transcript NM_001171613.2 (MANE Select); coding-DNA position 1084, A replaced by G.
Protein change: p.Lys362Glu; replaces lysine 362 with glutamic acid.
Molecular consequence: missense variant. On other transcripts: intron variant (1).
Genome position (GRCh38, 1-based): chr2:44,332,461, T>C on the plus strand (A>G on the coding strand, the complement: PREPL is on the minus strand). VCF-style: chr2-44332461-T-C. GRCh37 (hg19) VCF-style: chr2-44559600-T-C.
Other names: c.1165A>G, p.Lys389Glu (NM_001042385.2); c.1351A>G, p.Lys451Glu (NM_001171603.1, NM_001171606.2, NM_001374275.1 and 2 more transcripts); c.1084A>G, p.Lys362Glu (NM_001171617.1, NM_001374277.1); c.1156-3349A>G (NM_001042386.2); short protein forms K362E, K389E, K451E.
Identifiers: ClinVar variation 1023516 (VCV001023516.6), dbSNP rs146886697, ClinGen allele CA1641258.